The following is an entry in ClinVar:

ClinVar aggregate classification (germline): Uncertain significance (1 of 4 stars; one submission).

gnomAD v4.1: 4 of 1,613,896 alleles (0.00025%); highest among the groups gnomAD compares: Non-Finnish European, 0.00034%; no homozygotes.

Submission:

Labcorp Genetics (formerly Invitae), Labcorp
Classification: Uncertain significance. Last evaluated: 2025-06-24. Review status: criteria provided, single submitter. Criteria: Invitae Variant Classification Sherloc (09022015). Collection method: clinical testing. Allele origin: germline.
Comment: This sequence change replaces valine, which is neutral and non-polar, with leucine, which is neutral and non-polar, at codon 1154 of the NALCN protein (p.Val1154Leu). This variant is present in population databases (no rsID available, gnomAD 0.002%). This variant has not been reported in the literature in individuals affected with NALCN-related conditions. Invitae Evidence Modeling of protein sequence and biophysical properties (such as structural, functional, and spatial information, amino acid conservation, physicochemical variation, residue mobility, and thermodynamic stability) indicates that this missense variant is expected to disrupt NALCN protein function with a positive predictive value of 80%. In summary, the available evidence is currently insufficient to determine the role of this variant in disease. Therefore, it has been classified as a Variant of Uncertain Significance.

NM_052867.4(NALCN):c.3460G>T (p.Val1154Leu)

Gene: NALCN (sodium leak channel, non-selective; minus strand). Cytogenetic location: 13q32.3.
Variant type: single nucleotide variant.
Coding change: c.3460G>T on transcript NM_052867.4 (MANE Select); coding-DNA position 3460, G replaced by T.
Protein change: p.Val1154Leu; replaces valine 1154 with leucine.
Molecular consequence: missense variant.
Genome position (GRCh38, 1-based): chr13:101,089,692, C>A on the plus strand (G>T on the coding strand, the complement: NALCN is on the minus strand). VCF-style: chr13-101089692-C-A. GRCh37 (hg19) VCF-style: chr13-101742043-C-A.
Other names: c.3547G>T, p.Val1183Leu (NM_001350748.2); c.3460G>T, p.Val1154Leu (NM_001350749.2); c.3373G>T, p.Val1125Leu (NM_001350750.2, NM_001350751.2); short protein forms V1125L, V1183L, V1154L.
Identifiers: ClinVar variation 4770625 (VCV004770625.1).